The following is an entry in ClinVar:

NM_000057.4(BLM):c.2384A>C (p.Asp795Ala)

Gene: BLM (BLM RecQ like helicase; plus strand). Cytogenetic location: 15q26.1.
Variant type: single nucleotide variant.
Coding change: c.2384A>C on transcript NM_000057.4 (MANE Select); coding-DNA position 2384, A replaced by C.
Protein change: p.Asp795Ala; replaces aspartic acid 795 with alanine.
Molecular consequence: missense variant.
Genome position (GRCh38, 1-based): chr15:90,769,209, A>C. VCF-style: chr15-90769209-A-C. GRCh37 (hg19) VCF-style: chr15-91312439-A-C.
Other names: c.2384A>C, p.Asp795Ala (NM_001287246.2, NM_001287247.2); c.1259A>C, p.Asp420Ala (NM_001287248.2); short protein forms D420A, D795A.
Identifiers: ClinVar variation 2107043 (VCV002107043.4), dbSNP rs1596238327, ClinGen allele CA393845181.
Genomic context (GRCh38, chr15:90,769,209, plus strand): 5'-GACTCATTTCTACTCTGGAGAATCTCTATGAGAGGAAGCTCTTGGCACGTTTTGTTATTG[A>C]TGAAGCACATTGTGTCAGTCAGGTAAATACTGTTTTTTATATCCGGAAATACCGATAAAT-3'
Protein context (NP_000048.1, residues 785-805): ERKLLARFVI[Asp795Ala]EAHCVSQWGH

ClinVar aggregate classification (germline): Uncertain significance (1 of 4 stars; one submission).

Conditions:
Bloom syndrome (BLM). Also called: Bloom-Torre-Machacek syndrome. Identifiers: Orphanet 125, MedGen C0005859, MONDO:0008876, OMIM 210900.

Allele frequency attached by ClinVar (database versions not stated): gnomAD exomes 0.00002.
gnomAD v4.1: 18 of 1,612,458 alleles (0.0011%); highest among the groups gnomAD compares: Non-Finnish European, 0.0015%; no homozygotes.

Submission:

Labcorp Genetics (formerly Invitae), Labcorp
Classification: Uncertain significance for Bloom syndrome. Last evaluated: 2025-01-23. Review status: criteria provided, single submitter. Criteria: Invitae Variant Classification Sherloc (09022015). Collection method: clinical testing. Allele origin: germline.
Comment: This sequence change replaces aspartic acid, which is acidic and polar, with alanine, which is neutral and non-polar, at codon 795 of the BLM protein (p.Asp795Ala). This variant is not present in population databases (gnomAD no frequency). This variant has not been reported in the literature in individuals affected with BLM-related conditions. ClinVar contains an entry for this variant (Variation ID: 2107043). Invitae Evidence Modeling of protein sequence and biophysical properties (such as structural, functional, and spatial information, amino acid conservation, physicochemical variation, residue mobility, and thermodynamic stability) indicates that this missense variant is expected to disrupt BLM protein function with a positive predictive value of 80%. In summary, the available evidence is currently insufficient to determine the role of this variant in disease. Therefore, it has been classified as a Variant of Uncertain Significance.